The following is an entry in ClinVar:

ClinVar aggregate classification (germline): Pathogenic (1 of 4 stars; one submission).

Conditions:
Mucopolysaccharidosis, MPS-II (MPS2). Also called: Hunter Syndrome; IDURONATE 2-SULFATASE DEFICIENCY; Mucopolysaccharidosis Type II; Mucopolysaccharidosis type 2; Attenuated MPS (subtype; formerly known as mild MPS II); Severe MPS II. Identifiers: Orphanet 580, Orphanet 79388, MedGen C0026705, MONDO:0010674, OMIM 309900.

Submission:

Laboratory of Diagnosis and Therapy of Lysosomal Disorders, University of Padova
Classification: Pathogenic for Mucopolysaccharidosis, MPS-II. Last evaluated: 2024-06-07. Review status: criteria provided, single submitter. Criteria: ACMG Guidelines, 2015. Collection method: literature only. Allele origin: germline. Affected: yes. Observed: 2 variant alleles.
Comment: In vitro or in vivo functional studies supportive of a damaging effect (PS3_Strong), Absent from controls (or at low frequency) in gnomAD database (PM2_Moderate), Missense variant in a gene with a low rate of benign missense variation (PP2_Supporting), Multiple lines of computational evidence support a deleterious effect (PP3_Supporting), Patient’s phenotype or family history highly specific for the disease (PP4_Moderate)

Classification method: ACMG Guidelines [PMID:25741868] with modifications

Literature cited by the submitters: PubMed 15614569; PubMed 16480701; PubMed 31877959.

NM_000202.8(IDS):c.189T>G (p.Asn63Lys)

Gene: IDS (iduronate 2-sulfatase; minus strand). Cytogenetic location: Xq28.
Variant type: single nucleotide variant.
Coding change: c.189T>G on transcript NM_000202.8 (MANE Select); coding-DNA position 189, T replaced by G.
Protein change: p.Asn63Lys; replaces asparagine 63 with lysine.
Molecular consequence: missense variant. On other transcripts: 5 prime UTR variant (1), non-coding transcript variant (1).
Genome position (GRCh38, 1-based): chrX:149,504,208, A>C on the plus strand (T>G on the coding strand, the complement: IDS is on the minus strand). VCF-style: chrX-149504208-A-C. GRCh37 (hg19) VCF-style: chrX-148585738-A-C.
Other names: c.-38T>G (NM_001166550.4); c.189T>G, p.Asn63Lys (NM_006123.5); short protein forms N63K.
Identifiers: ClinVar variation 3256037 (VCV003256037.2).
Genomic context (GRCh38, chrX:149,504,208, plus strand): 5'-CAGACATACCTGCGCAAAGGCATTCTGGAAGAGGAGGCTGTGGGATGCCAGTTGGTCAAT[A>C]TTTGGGGACCTCACCAGCTTATCCCCATAACAGCCCAGGGAGGGGCGCAGGTCATCCACG-3'
Protein context (NP_000193.1, residues 53-73): CYGDKLVRSP[Asn63Lys]IDQLASHSLL